The following is an entry in ClinVar:

NM_001354930.2(RIPK1):c.126G>A (p.Met42Ile)

Gene: RIPK1 (receptor interacting serine/threonine kinase 1; plus strand). Cytogenetic location: 6p25.2.
Variant type: single nucleotide variant.
Coding change: c.126G>A on transcript NM_001354930.2 (MANE Select); coding-DNA position 126, G replaced by A.
Protein change: p.Met42Ile; replaces methionine 42 with isoleucine.
Molecular consequence: missense variant. On other transcripts: 5 prime UTR variant (4).
Genome position (GRCh38, 1-based): chr6:3,076,949, G>A. VCF-style: chr6-3076949-G-A. GRCh37 (hg19) VCF-style: chr6-3077183-G-A.
Other names: p.Met42Ile; c.-478G>A (NM_001317061.3, NM_001354932.2, NM_001354933.2 and 1 more transcripts); c.126G>A, p.Met42Ile (NM_001354931.2, NM_003804.6); short protein forms M42I.
Identifiers: ClinVar variation 1523087 (VCV001523087.9), dbSNP rs1429231482, ClinGen allele CA362572794.

ClinVar aggregate classification (germline): Uncertain significance. Review status: criteria provided, multiple submitters, no conflicts (2 of 4 stars). 2 submissions from 2 submitters: Uncertain significance (2). Last evaluated 2025-03-03.

Submissions (2):

Mayo Clinic Laboratories, Mayo Clinic
Classification: Uncertain significance. Last evaluated: 2025-03-03. Review status: criteria provided, single submitter. Criteria: ACMG Guidelines, 2015. Collection method: clinical testing. Allele origin: germline. Observed: 1 variant allele.
Comment: BP4_moderate, PM2_supporting

Labcorp Genetics (formerly Invitae), Labcorp
Classification: Uncertain significance. Last evaluated: 2022-07-19. Review status: criteria provided, single submitter. Criteria: Invitae Variant Classification Sherloc (09022015). Collection method: clinical testing. Allele origin: germline.
Comment: In summary, the available evidence is currently insufficient to determine the role of this variant in disease. Therefore, it has been classified as a Variant of Uncertain Significance. Algorithms developed to predict the effect of missense changes on protein structure and function are either unavailable or do not agree on the potential impact of this missense change (SIFT: "Not Available"; PolyPhen-2: "Benign"; Align-GVGD: "Not Available"). ClinVar contains an entry for this variant (Variation ID: 1523087). This variant has not been reported in the literature in individuals affected with RIPK1-related conditions. This variant is not present in population databases (gnomAD no frequency). This sequence change replaces methionine, which is neutral and non-polar, with isoleucine, which is neutral and non-polar, at codon 42 of the RIPK1 protein (p.Met42Ile).